The following is an entry in ClinVar:

NM_199420.4(POLQ):c.2231A>C (p.Asn744Thr)

Gene: POLQ (DNA polymerase theta; minus strand). Cytogenetic location: 3q13.33.
Variant type: single nucleotide variant.
Coding change: c.2231A>C on transcript NM_199420.4 (MANE Select); coding-DNA position 2231, A replaced by C.
Protein change: p.Asn744Thr; replaces asparagine 744 with threonine.
Molecular consequence: missense variant.
Genome position (GRCh38, 1-based): chr3:121,496,855, T>G on the plus strand (A>C on the coding strand, the complement: POLQ is on the minus strand). VCF-style: chr3-121496855-T-G. GRCh37 (hg19) VCF-style: chr3-121215702-T-G.
Other names: short protein forms N744T.
Identifiers: ClinVar variation 3422591 (VCV003422591.1).

ClinVar aggregate classification (germline): Uncertain significance (1 of 4 stars; one submission).

Submission:

Ambry Genetics
Classification: Uncertain significance. Last evaluated: 2024-10-11. Review status: criteria provided, single submitter. Criteria: Ambry Variant Classification Scheme 2023. Collection method: clinical testing. Allele origin: germline.
Comment: The p.N744T variant (also known as c.2231A>C), located in coding exon 14 of the POLQ gene, results from an A to C substitution at nucleotide position 2231. The asparagine at codon 744 is replaced by threonine, an amino acid with similar properties. This amino acid position is conserved. In addition, this alteration is predicted to be tolerated by in silico analysis. Based on the available evidence, the clinical significance of this variant remains unclear.